The following is an entry in ClinVar:

NM_182961.4(SYNE1):c.8705C>T (p.Ser2902Leu)

Genes: SYNE1 (spectrin repeat containing nuclear envelope protein 1; minus strand), SYNE1-AS1 (SYNE1 antisense RNA 1; plus strand). Cytogenetic location: 6q25.2.
Variant type: single nucleotide variant.
Coding change: c.8705C>T on transcript NM_182961.4 (MANE Select); coding-DNA position 8705, C replaced by T.
Protein change: p.Ser2902Leu; replaces serine 2902 with leucine.
Molecular consequence: missense variant. On other transcripts: non-coding transcript variant (1).
Genome position (GRCh38, 1-based): chr6:152,381,310, G>A on the plus strand (C>T on the coding strand, the complement: SYNE1 is on the minus strand). VCF-style: chr6-152381310-G-A. GRCh37 (hg19) VCF-style: chr6-152702445-G-A.
Other names: c.8726C>T, p.Ser2909Leu (NM_033071.5); short protein forms S2902L, S2909L.
Identifiers: ClinVar variation 538405 (VCV000538405.7), dbSNP rs576979843, ClinGen allele CA4057476.

ClinVar aggregate classification (germline): Uncertain significance (1 of 4 stars; one submission).

Conditions:
Autosomal recessive ataxia, Beauce type. Also called: SYNE1-Related Autosomal Recessive Cerebellar Ataxia; Spinocerebellar ataxia, autosomal recessive 8; ATAXIA, RECESSIVE, OF BEAUCE; SYNE1 Deficiency. Identifiers: Orphanet 88644, MedGen C1853116, MONDO:0012549, OMIM 610743.
Emery-Dreifuss muscular dystrophy 4, autosomal dominant (EDMD4). Also called: EMERY-DREIFUSS MUSCULAR DYSTROPHY 4 WITH VARIABLE FEATURES. Identifiers: Orphanet 261, MedGen C2751807, MONDO:0013071, OMIM 612998.

Allele frequency attached by ClinVar (database versions not stated): gnomAD 0.00002 and 0.00003; ExAC 0.00003; 1000 Genomes Project 30x 0.00016; TOPMed 0.00016; 1000 Genomes Project 0.00020.
gnomAD v4.1: 49 of 1,614,078 alleles (0.003%); highest among the groups gnomAD compares: East Asian, 0.085%; no homozygotes.

Submission:

Labcorp Genetics (formerly Invitae), Labcorp
Classification: Uncertain significance for Emery-Dreifuss muscular dystrophy 4, autosomal dominant; Autosomal recessive ataxia, Beauce type. Last evaluated: 2024-10-25. Review status: criteria provided, single submitter. Criteria: Invitae Variant Classification Sherloc (09022015). Collection method: clinical testing. Allele origin: germline.
Comment: This sequence change replaces serine, which is neutral and polar, with leucine, which is neutral and non-polar, at codon 2909 of the SYNE1 protein (p.Ser2909Leu). This variant is present in population databases (rs576979843, gnomAD 0.07%). This variant has not been reported in the literature in individuals affected with SYNE1-related conditions. ClinVar contains an entry for this variant (Variation ID: 538405). An algorithm developed to predict the effect of missense changes on protein structure and function outputs the following: PolyPhen-2: "Benign". The leucine amino acid residue is found in multiple mammalian species, which suggests that this missense change does not adversely affect protein function. In summary, the available evidence is currently insufficient to determine the role of this variant in disease. Therefore, it has been classified as a Variant of Uncertain Significance.